The following is an entry in ClinVar:

ClinVar aggregate classification (germline): Uncertain significance (0 of 4 stars; one submission).

Conditions:
SEMA3G-related disorder. Also called: SEMA3G-related condition.

Submission:

PreventionGenetics, part of Exact Sciences
Classification: Uncertain significance for SEMA3G-related condition. Last evaluated: 2024-02-12. Review status: no assertion criteria provided. Collection method: clinical testing. Allele origin: germline.
Comment: The SEMA3G c.1418G>C variant is predicted to result in the amino acid substitution p.Gly473Ala. To our knowledge, this variant has not been reported in the literature or in a large population database, indicating this variant is rare. At this time, the clinical significance of this variant is uncertain due to the absence of conclusive functional and genetic evidence.

NM_020163.3(SEMA3G):c.1418G>C (p.Gly473Ala)

Gene: SEMA3G (semaphorin 3G; minus strand). Cytogenetic location: 3p21.1.
Variant type: single nucleotide variant.
Coding change: c.1418G>C on transcript NM_020163.3 (MANE Select); coding-DNA position 1418, G replaced by C.
Protein change: p.Gly473Ala; replaces glycine 473 with alanine.
Molecular consequence: missense variant.
Genome position (GRCh38, 1-based): chr3:52,439,729, C>G on the plus strand (G>C on the coding strand, the complement: SEMA3G is on the minus strand). VCF-style: chr3-52439729-C-G. GRCh37 (hg19) VCF-style: chr3-52473745-C-G.
Other names: short protein forms G473A.
Identifiers: ClinVar variation 3349175 (VCV003349175.1).